The following is an entry in ClinVar:

ClinVar aggregate classification (germline): Uncertain significance (1 of 4 stars; one submission).

gnomAD v4.1: 7 of 1,614,188 alleles (0.00043%); highest among the groups gnomAD compares: Non-Finnish European, 0.00059%; no homozygotes.

Submission:

Ambry Genetics
Classification: Uncertain significance. Last evaluated: 2024-06-24. Review status: criteria provided, single submitter. Criteria: Ambry Variant Classification Scheme 2023. Collection method: clinical testing. Allele origin: germline.
Comment: The p.C320R variant (also known as c.958T>C), located in coding exon 1 of the MLH3 gene, results from a T to C substitution at nucleotide position 958. The cysteine at codon 320 is replaced by arginine, an amino acid with highly dissimilar properties. This amino acid position is conserved. In addition, this alteration is predicted to be deleterious by in silico analysis. Based on the available evidence, the clinical significance of this variant remains unclear.

NM_001040108.2(MLH3):c.958T>C (p.Cys320Arg)

Gene: MLH3 (mutL homolog 3; minus strand). Cytogenetic location: 14q24.3.
Variant type: single nucleotide variant.
Coding change: c.958T>C on transcript NM_001040108.2 (MANE Select); coding-DNA position 958, T replaced by C.
Protein change: p.Cys320Arg; replaces cysteine 320 with arginine.
Molecular consequence: missense variant.
Genome position (GRCh38, 1-based): chr14:75,048,698, A>G on the plus strand (T>C on the coding strand, the complement: MLH3 is on the minus strand). VCF-style: chr14-75048698-A-G. GRCh37 (hg19) VCF-style: chr14-75515401-A-G.
Other names: c.958T>C, p.Cys320Arg (NM_014381.3); short protein forms C320R.
Identifiers: ClinVar variation 3295177 (VCV003295177.1).